The following is an entry in ClinVar:

ClinVar aggregate classification (germline): Uncertain significance (1 of 4 stars; one submission).

Allele frequency attached by ClinVar (database versions not stated): gnomAD 0.00001.

Submission:

Labcorp Genetics (formerly Invitae), Labcorp
Classification: Uncertain significance. Last evaluated: 2021-10-21. Review status: criteria provided, single submitter. Criteria: Invitae Variant Classification Sherloc (09022015). Collection method: clinical testing. Allele origin: germline.
Comment: This sequence change replaces arginine with glutamine at codon 32 of the TK2 protein (p.Arg32Gln). The arginine residue is weakly conserved and there is a small physicochemical difference between arginine and glutamine. The frequency data for this variant in the population databases is considered unreliable, as metrics indicate insufficient coverage at this position in the ExAC database. This variant has not been reported in the literature in individuals affected with TK2-related conditions. Advanced modeling of protein sequence and biophysical properties (such as structural, functional, and spatial information, amino acid conservation, physicochemical variation, residue mobility, and thermodynamic stability) performed at Invitae indicates that this missense variant is not expected to disrupt TK2 protein function. Algorithms developed to predict the effect of sequence changes on RNA splicing suggest that this variant may create or strengthen a splice site. In summary, the available evidence is currently insufficient to determine the role of this variant in disease. Therefore, it has been classified as a Variant of Uncertain Significance.

NM_004614.5(TK2):c.95G>A (p.Arg32Gln)

Genes: TK2 (thymidine kinase 2; minus strand), LOC130059156 (ATAC-STARR-seq lymphoblastoid silent region 7560; plus strand). Cytogenetic location: 16q21.
Variant type: single nucleotide variant.
Coding change: c.95G>A on transcript NM_004614.5 (MANE Select); coding-DNA position 95, G replaced by A.
Protein change: p.Arg32Gln; replaces arginine 32 with glutamine.
Molecular consequence: missense variant. On other transcripts: 5 prime UTR variant (2), non-coding transcript variant (1), intron variant (2).
Genome position (GRCh38, 1-based): chr16:66,549,967, C>T on the plus strand (G>A on the coding strand, the complement: TK2 is on the minus strand). VCF-style: chr16-66549967-C-T. GRCh37 (hg19) VCF-style: chr16-66583870-C-T.
Other names: c.95G>A, p.Arg32Gln (NM_001172644.2, NM_001172645.2); c.-148G>A (NM_001271934.2); c.-558G>A (NM_001272050.2); c.31+286G>A (NM_001271935.1, NM_001172643.1); short protein forms R32Q.
Identifiers: ClinVar variation 1388496 (VCV001388496.3), dbSNP rs1965739715, ClinGen allele CA396193558.